The following is an entry in ClinVar:

ClinVar aggregate classification (germline): Likely benign. Review status: criteria provided, multiple submitters, no conflicts (2 of 4 stars). 4 submissions from 4 submitters: Likely benign (3). 1 of the submissions does not count toward it. Last evaluated 2025-07-06.

Conditions:
SOX10-related disorder. Also called: SOX10-related condition.

Allele frequency attached by ClinVar (database versions not stated): gnomAD 0.00075 and 0.00080; TOPMed 0.00087; gnomAD exomes 0.00021 and 0.00010; ESP Exome Variant Server 0.00069; 1000 Genomes Project 30x 0.00141; ExAC 0.00026; 1000 Genomes Project 0.00140.
gnomAD v4.1: 259 of 1,612,234 alleles (0.016%); highest among the groups gnomAD compares: African/African-American, 0.29%; 1 homozygote.

Submissions (4):

Labcorp Genetics (formerly Invitae), Labcorp
Classification: Likely benign. Last evaluated: 2025-07-06. Review status: criteria provided, single submitter. Criteria: Invitae Variant Classification Sherloc (09022015). Collection method: clinical testing. Allele origin: germline.

Blueprint Genetics
Classification: Likely benign. Last evaluated: 2024-07-06. Review status: criteria provided, single submitter. Criteria: ACMG Guidelines, 2015. Collection method: clinical testing. Allele origin: germline.

GeneDx
Classification: Likely benign. Last evaluated: 2020-11-24. Review status: criteria provided, single submitter. Criteria: GeneDx Variant Classification Process June 2021. Collection method: clinical testing. Allele origin: germline. Affected: yes.

PreventionGenetics, part of Exact Sciences
Classification: Likely benign for SOX10-related condition. Last evaluated: 2023-04-17. Review status: no assertion criteria provided. Collection method: clinical testing. Allele origin: germline. Not counted in ClinVar's aggregate classification.
Comment: This variant is classified as likely benign based on ACMG/AMP sequence variant interpretation guidelines (Richards et al. 2015 PMID: 25741868, with internal and published modifications).

NM_006941.4(SOX10):c.604G>A (p.Ala202Thr)

Genes: POLR2F (RNA polymerase II, I and III subunit F; plus strand), SOX10 (SRY-box transcription factor 10; minus strand). Cytogenetic location: 22q13.1.
Variant type: single nucleotide variant.
Coding change: c.604G>A on transcript NM_006941.4 (MANE Select); coding-DNA position 604, G replaced by A.
Protein change: p.Ala202Thr; replaces alanine 202 with threonine.
Molecular consequence: missense variant. On other transcripts: intron variant (3).
Genome position (GRCh38, 1-based): chr22:37,977,960, C>T on the plus strand (G>A on the coding strand, the complement: SOX10 is on the minus strand). VCF-style: chr22-37977960-C-T. GRCh37 (hg19) VCF-style: chr22-38373967-C-T.
Other names: c.*38+5650C>T (NM_001363825.1); c.294-8194C>T (NM_001301130.2); c.293+10790C>T (NM_001301131.2); short protein forms A202T.
Identifiers: ClinVar variation 680027 (VCV000680027.16), dbSNP rs138500876, ClinGen allele CA10228643.
Genomic context (GRCh38, chr22:37,977,960, plus strand): 5'-GGGAGCCCTCTCCTGGGTGCCGGTGGTCCAAGTGGGCGCTCTTGTAGTGGGCCTGGATGG[C>T]GGCGGTCCCACCTTGCTCGGCCTCCCCACCGGGGCACTCCGCCTCGCCCTGGGCGGCCTT-3'
Protein context (NP_008872.1, residues 192-212): GGEAEQGGTA[Ala202Thr]IQAHYKSAHL